The following is an entry in ClinVar:

NM_004519.4(KCNQ3):c.914A>T (p.Asp305Val)

Gene: KCNQ3 (potassium voltage-gated channel subfamily Q member 3; minus strand). Cytogenetic location: 8q24.22.
Variant type: single nucleotide variant.
Coding change: c.914A>T on transcript NM_004519.4 (MANE Select); coding-DNA position 914, A replaced by T.
Protein change: p.Asp305Val; replaces aspartic acid 305 with valine.
Molecular consequence: missense variant.
Genome position (GRCh38, 1-based): chr8:132,175,472, T>A on the plus strand (A>T on the coding strand, the complement: KCNQ3 is on the minus strand). VCF-style: chr8-132175472-T-A. GRCh37 (hg19) VCF-style: chr8-133187719-T-A.
Other names: c.554A>T, p.Asp185Val (NM_001204824.2); short protein forms D305V, D185V.
Identifiers: ClinVar variation 571923 (VCV000571923.9), dbSNP rs118192248, ClinGen allele CA372290330.

ClinVar aggregate classification (germline): Uncertain significance (1 of 4 stars; one submission).

Conditions:
Benign neonatal seizures. Also called: Convulsions benign familial neonatal dominant form; Autosomal dominant form of benign neonatal seizures; Benign neonatal familial convulsions; Benign familial neonatal epilepsy; Benign familial neonatal seizures. Identifiers: Orphanet 1949, MedGen C0220669, MONDO:0016027.

Submission:

Labcorp Genetics (formerly Invitae), Labcorp
Classification: Uncertain significance for Benign neonatal seizures. Last evaluated: 2018-09-18. Review status: criteria provided, single submitter. Criteria: Invitae Variant Classification Sherloc (09022015). Collection method: clinical testing. Allele origin: germline.
Comment: In summary, the available evidence is currently insufficient to determine the role of this variant in disease. Therefore, it has been classified as a Variant of Uncertain Significance. Algorithms developed to predict the effect of missense changes on protein structure and function (SIFT, PolyPhen-2, Align-GVGD) all suggest that this variant is likely to be disruptive, but these predictions have not been confirmed by published functional studies and their clinical significance is uncertain. This variant has not been reported in the literature in individuals with KCNQ3-related disease. This variant is not present in population databases (ExAC no frequency). This sequence change replaces aspartic acid with valine at codon 305 of the KCNQ3 protein (p.Asp305Val). The aspartic acid residue is highly conserved and there is a large physicochemical difference between aspartic acid and valine.